The following is an entry in ClinVar:

NM_005876.5(SPEG):c.2161G>A (p.Ala721Thr)

Gene: SPEG (striated muscle enriched protein kinase; plus strand). Cytogenetic location: 2q35.
Variant type: single nucleotide variant.
Coding change: c.2161G>A on transcript NM_005876.5 (MANE Select); coding-DNA position 2161, G replaced by A.
Protein change: p.Ala721Thr; replaces alanine 721 with threonine.
Molecular consequence: missense variant.
Genome position (GRCh38, 1-based): chr2:219,451,183, G>A. VCF-style: chr2-219451183-G-A. GRCh37 (hg19) VCF-style: chr2-220315905-G-A.
Other names: c.2161G>A (NM_005876.4); short protein forms A721T.
Identifiers: ClinVar variation 1363257 (VCV001363257.5), dbSNP rs368756743, ClinGen allele CA2125762.
Genomic context (GRCh38, chr2:219,451,183, plus strand): 5'-CTGTGTCCGGCAGAGTCTTCGGATGACTCCTACGTGTCCGCTGGAGAAGAGCCCCTAGAG[G>A]CCCCTGTGTTTGAGATCCCCCTGCAGAATGTGGTGGTGGCACCAGGGGCAGATGTGCTGC-3'
Protein context (NP_005867.3, residues 711-731): YVSAGEEPLE[Ala721Thr]PVFEIPLQNV

ClinVar aggregate classification (germline): Uncertain significance. Review status: criteria provided, multiple submitters, no conflicts (2 of 4 stars). 3 submissions from 3 submitters: Uncertain significance (3). Last evaluated 2024-03-11.

Conditions:
Inborn genetic diseases. Identifiers: MedGen C0950123, MeSH D030342.

Allele frequency attached by ClinVar (database versions not stated): gnomAD exomes 0.00007 and 0.00016; gnomAD 0.00011; TOPMed 0.00011; ExAC 0.00013; ESP Exome Variant Server 0.00025.
gnomAD v4.1: 251 of 1,613,854 alleles (0.016%); highest among the groups gnomAD compares: Non-Finnish European, 0.02%; no homozygotes.

Submissions (3):

Ambry Genetics
Classification: Uncertain significance for Inborn genetic diseases. Last evaluated: 2024-03-11. Review status: criteria provided, single submitter. Criteria: Ambry Variant Classification Scheme 2023. Collection method: clinical testing. Allele origin: germline.

Labcorp Genetics (formerly Invitae), Labcorp
Classification: Uncertain significance. Last evaluated: 2021-09-04. Review status: criteria provided, single submitter. Criteria: Invitae Variant Classification Sherloc (09022015). Collection method: clinical testing. Allele origin: germline.
Comment: This sequence change replaces alanine with threonine at codon 721 of the SPEG protein (p.Ala721Thr). The alanine residue is highly conserved and there is a small physicochemical difference between alanine and threonine. This variant is present in population databases (rs368756743, ExAC 0.02%). This variant has not been reported in the literature in individuals affected with SPEG-related conditions. Algorithms developed to predict the effect of missense changes on protein structure and function are either unavailable or do not agree on the potential impact of this missense change (SIFT: "Deleterious"; PolyPhen-2: "Benign"; Align-GVGD: "Class C0"). In summary, the available evidence is currently insufficient to determine the role of this variant in disease. Therefore, it has been classified as a Variant of Uncertain Significance.

Breakthrough Genomics
Classification: Uncertain significance. Review status: criteria provided, single submitter. Criteria: ACMG Guidelines, 2015. Collection method: not provided. Allele origin: germline. Inheritance: Autosomal recessive inheritance. Affected: yes.